The following is an entry in ClinVar:

ClinVar aggregate classification (germline): Uncertain significance (1 of 4 stars; one submission).

Conditions:
Hereditary cancer-predisposing syndrome. Also called: Hereditary Cancer Syndrome; Hereditary neoplastic syndrome; Neoplastic Syndromes, Hereditary; Tumor predisposition. Identifiers: Orphanet 140162, MedGen C0027672, MeSH D009386, MONDO:0015356.

Submission:

Ambry Genetics
Classification: Uncertain significance for Hereditary cancer-predisposing syndrome. Last evaluated: 2025-06-24. Review status: criteria provided, single submitter. Criteria: Ambry Variant Classification Scheme 2023. Collection method: clinical testing. Allele origin: germline.
Comment: The p.V3166F variant (also known as c.9496G>T), located in coding exon 24 of the BRCA2 gene, results from a G to T substitution at nucleotide position 9496. The valine at codon 3166 is replaced by phenylalanine, an amino acid with highly similar properties. This amino acid position is conserved. In addition, the in silico prediction for this alteration is inconclusive. Based on the available evidence, the clinical significance of this variant remains unclear.

NM_000059.4(BRCA2):c.9496G>T (p.Val3166Phe)

Gene: BRCA2 (BRCA2 DNA repair associated; plus strand). Cytogenetic location: 13q13.1.
Variant type: single nucleotide variant.
Coding change: c.9496G>T on transcript NM_000059.4 (MANE Select); coding-DNA position 9496, G replaced by T.
Protein change: p.Val3166Phe; replaces valine 3166 with phenylalanine.
Molecular consequence: missense variant. On other transcripts: non-coding transcript variant (1).
Genome position (GRCh38, 1-based): chr13:32,394,928, G>T. VCF-style: chr13-32394928-G-T. GRCh37 (hg19) VCF-style: chr13-32969065-G-T.
Other names: c.9400G>T, p.Val3134Phe (NM_001406719.1); c.9445G>T, p.Val3149Phe (NM_001406720.1); c.4564G>T, p.Val1522Phe (NM_001406721.1); c.3079G>T, p.Val1027Phe (NM_001406722.1); c.9496G>T, p.Val3166Phe (NM_001432077.1); short protein forms V1522F, V3134F, V3166F, V1027F, V3149F.
Identifiers: ClinVar variation 4215824 (VCV004215824.1).